The following is an entry in ClinVar:

NC_000016.10:g.(89775816_89778800)_(89783103_89784853)del

Gene: FANCA (FA complementation group A; minus strand). Cytogenetic location: 16q24.3.
Variant type: Deletion.
Identifiers: ClinVar variation 974224 (VCV000974224.1).

ClinVar aggregate classification (germline): Pathogenic (0 of 4 stars; one submission).

Conditions:
Fanconi anemia complementation group A (FANCA). Also called: Fanconi anemia, group A; FANCA-Related Fanconi Anemia. Identifiers: Orphanet 84, MedGen C3469521, MONDO:0009215, OMIM 227650.

Submission:

Leiden Open Variation Database
Classification: Pathogenic for Fanconi anemia complementation group A. Last evaluated: 2020-02-28. Review status: no assertion criteria provided. Collection method: curation. Allele origin: germline. Affected: yes.
Comment: Curator: Arleen D. Auerbach. Submitter to LOVD: Arleen D. Auerbach.

Literature cited by the submitters: PubMed 10521298; PubMed 16084127.